The following is an entry in ClinVar:

ClinVar aggregate classification (germline): Likely benign. Review status: criteria provided, single submitter (1 of 4 stars). 2 submissions from 2 submitters: Likely benign (1). 1 of the submissions does not count toward it. Last evaluated 2020-02-07.

Conditions:
CPE-related disorder. Also called: CPE-related condition.

Submissions (2):

Blueprint Genetics
Classification: Likely benign. Last evaluated: 2020-02-07. Review status: criteria provided, single submitter. Criteria: ACMG Guidelines, 2015. Collection method: clinical testing. Allele origin: germline.

PreventionGenetics, part of Exact Sciences
Classification: Likely benign for CPE-related condition. Last evaluated: 2021-06-01. Review status: no assertion criteria provided. Collection method: clinical testing. Allele origin: germline. Not counted in ClinVar's aggregate classification.
Comment: This variant is classified as likely benign based on ACMG/AMP sequence variant interpretation guidelines (Richards et al. 2015 PMID: 25741868, with internal and published modifications).

NM_001873.4(CPE):c.45A>G (p.Ala15=)

Genes: CPE (carboxypeptidase E; plus strand), LOC129993339 (ATAC-STARR-seq lymphoblastoid silent region 15785; plus strand). Cytogenetic location: 4q32.3.
Variant type: single nucleotide variant.
Coding change: c.45A>G on transcript NM_001873.4 (MANE Select); coding-DNA position 45, A replaced by G.
Protein change: p.Ala15=; no amino-acid change (alanine 15 retained).
Molecular consequence: synonymous variant.
Genome position (GRCh38, 1-based): chr4:165,379,266, A>G. VCF-style: chr4-165379266-A-G. GRCh37 (hg19) VCF-style: chr4-166300418-A-G.
Identifiers: ClinVar variation 3350553 (VCV003350553.2).